The following is an entry in ClinVar:

ClinVar aggregate classification (germline): Likely benign (0 of 4 stars; one submission).

Conditions:
STEAP2-related disorder. Also called: STEAP2-related condition.

Submission:

PreventionGenetics, part of Exact Sciences
Classification: Likely benign for STEAP2-related condition. Last evaluated: 2019-09-13. Review status: no assertion criteria provided. Collection method: clinical testing. Allele origin: germline.
Comment: This variant is classified as likely benign based on ACMG/AMP sequence variant interpretation guidelines (Richards et al. 2015 PMID: 25741868, with internal and published modifications).

NM_001244944.2(STEAP2):c.-5G>A

Gene: STEAP2 (STEAP2 metalloreductase; plus strand). Cytogenetic location: 7q21.13.
Variant type: single nucleotide variant.
Coding change: c.-5G>A on transcript NM_001244944.2 (MANE Select); 5 bases upstream of the start codon, G replaced by A.
Molecular consequence: 5 prime UTR variant.
Genome position (GRCh38, 1-based): chr7:90,225,078, G>A. VCF-style: chr7-90225078-G-A. GRCh37 (hg19) VCF-style: chr7-89854392-G-A.
Other names: c.-5G>A (NM_001040665.2, NM_001040666.2, NM_001244945.2 and 2 more transcripts).
Identifiers: ClinVar variation 3357847 (VCV003357847.1).
Genomic context (GRCh38, chr7:90,225,078, plus strand): 5'-AACTGATGACCATTTTATTTTCTCTCCCCTAGGATATTCTTGGTGATCTTGGAAGTGTCC[G>A]TATCATGGAATCAATCTCTATGATGGGAAGCCCTAAGAGCCTTAGTGAAACTTTTTTACC-3'